The following is an entry in ClinVar:

ClinVar aggregate classification (germline): Pathogenic. Review status: criteria provided, multiple submitters, no conflicts (2 of 4 stars). 32 submissions from 32 submitters: Pathogenic (24). 8 of the submissions do not count toward it. Last evaluated 2026-01-11.

Conditions:
Sanfilippo syndrome. Also called: Sanfilippo disease; Mucopolysaccharidosis Type III; Mucopolysaccharidosis type 3. Identifiers: Orphanet 581, MedGen C0026706, MONDO:0018937.
SGSH-related disorder. Also called: SGSH-related condition.
Global developmental delay (DD). Also called: Cognitive delay. Identifiers: MedGen C0557874, HP:0001263. Disease mechanism: loss of function.
Severely reduced visual acuity. Also called: Severe visual impairment. Identifiers: MedGen C1301509, HP:0001141.
Diarrhea. Identifiers: MedGen C0011991, HP:0002014.
Retinal dystrophy. Also called: Inherited retinal dystrophy. Identifiers: Orphanet 71862, MedGen C0854723, MeSH D058499, MONDO:0019118, HP:0000556.
Nystagmus. Identifiers: MedGen C0028738, MONDO:0004843, HP:0000639.
Developmental regression. Also called: C1836830. Identifiers: MedGen C1836830, HP:0002376.
Gastrointestinal dysmotility. Identifiers: MedGen C1836923, HP:0002579.
Inborn genetic diseases. Identifiers: MedGen C0950123, MeSH D030342.
Neurodegeneration. Also called: Neurodegenerative illness; Neurodegenerative disease; neurodegenerative disorder. Identifiers: MedGen C0027746, MONDO:0005559, HP:0002180.
Mucopolysaccharidosis. Also called: Mucopolysaccharidoses. Identifiers: Orphanet 79213, MedGen C0026703, MeSH D009083, MONDO:0019249.
Cone-rod dystrophy. Also called: Cone-rod degeneration; Cone/cone-rod dystrophy. Identifiers: Orphanet 1872, MedGen C4085590, MONDO:0015993, HP:0000548.
Mucopolysaccharidosis, MPS-III-A (MPS3A). Also called: HEPARAN SULFATE SULFATASE DEFICIENCY; MPS III A; mucopolysaccharidosis type 3A; Mucopolysaccharidosis type IIIA (Sanfilippo A); MUCOPOLYSACCHARIDOSIS, TYPE IIIA, ATTENUATED; MPS IIIA (Sanfilippo Syndrome Type A). Identifiers: Orphanet 581, Orphanet 79269, MedGen C0086647, MONDO:0009655, OMIM 252900.

Allele frequency attached by ClinVar (database versions not stated): gnomAD exomes 0.00010 and 0.00019; TOPMed 0.00013; ESP Exome Variant Server 0.00015; 1000 Genomes Project 30x 0.00016; ExAC 0.00009; gnomAD 0.00015; 1000 Genomes Project 0.00020.
gnomAD v4.1: 289 of 1,613,568 alleles (0.018%); highest among the groups gnomAD compares: Non-Finnish European, 0.024%; no homozygotes.

Submissions 1 to 9 of 32:

Labcorp Genetics (formerly Invitae), Labcorp
Classification: Pathogenic for Mucopolysaccharidosis, MPS-III-A. Last evaluated: 2026-01-11. Review status: criteria provided, single submitter. Criteria: Invitae Variant Classification Sherloc (09022015). Collection method: clinical testing. Allele origin: germline.
Comment: This sequence change replaces serine, which is neutral and polar, with proline, which is neutral and non-polar, at codon 298 of the SGSH protein (p.Ser298Pro). This variant is present in population databases (rs138504221, gnomAD 0.02%). This missense change has been observed in individual(s) with mucopolysaccharidosis type IIIA (PMID: 9401012, 18407553, 21671382, 22976768, 29023963). ClinVar contains an entry for this variant (Variation ID: 30459). Invitae Evidence Modeling of protein sequence and biophysical properties (such as structural, functional, and spatial information, amino acid conservation, physicochemical variation, residue mobility, and thermodynamic stability) indicates that this missense variant is expected to disrupt SGSH protein function with a positive predictive value of 95%. Experimental studies have shown that this missense change affects SGSH function (PMID: 21671382). For these reasons, this variant has been classified as Pathogenic.

Institute of Immunology and Genetics Kaiserslautern
Classification: Pathogenic for Mucopolysaccharidosis, MPS-III-A. Last evaluated: 2025-12-16. Review status: criteria provided, single submitter. Criteria: ACMG Guidelines, 2015. Collection method: clinical testing. Allele origin: germline. Affected: yes.
Comment: ACMG Criteria: PS3, PS4, PM2_P, PM3, PP3; Variant was found in heterozygous state. Variant was forund in compound heterozygous state with SGSH(NM_000199.5):c.812C>T,Exon 7,p.(Thr271Met)

PreventionGenetics, part of Exact Sciences
Classification: Pathogenic for SGSH-related condition. Last evaluated: 2025-11-06. Review status: criteria provided, single submitter. Criteria: ACMG Guidelines, 2015. Collection method: clinical testing. Allele origin: germline.
Comment: The SGSH c.892T>C variant is predicted to result in the amino acid substitution p.Ser298Pro. This variant was reported in individuals with autosomal recessive mucopolysaccharidosis IIIA/Sanfilippo syndrome A, and is typically associated with late-onset and/or slow-progressing disease (see, for example, Bunge et al. 1997. PubMed ID: 9401012; Knottnerus et al. 2017. PubMed ID: 29023963). This variant is reported in 0.023% of alleles in individuals of European (Non-Finnish) descent in gnomAD. This variant is interpreted as pathogenic.

Variantyx, Inc.
Classification: Pathogenic for Mucopolysaccharidosis, MPS-III-A. Last evaluated: 2025-10-28. Review status: criteria provided, single submitter. Criteria: Variantyx Assertion Criteria 2022. Collection method: clinical testing. Allele origin: germline. Inheritance: Autosomal recessive inheritance. Affected: no.
Comment: This is a nonsynonymous variant in the SGSH gene (OMIM: 605270). Pathogenic variants in this gene have been associated with autosomal recessive mucopolysaccharidosis type IIIA. This variant has been identified in the homozygous or compound heterozygous state in many individuals reported in the published literature (PMID: 9401012, 21671382) (PM3). Functional studies have shown that this variant alters SGSH protein function (PMID: 21671382) (PS3), and multiple computational algorithms predict a deleterious effect for this variant (REVEL score: 0.883) (PP3). This variant has a 0.0241% maximum allele frequency in non-founder control populations (PM2). Based on the current evidence, this variant is classified as pathogenic for autosomal recessive mucopolysaccharidosis type IIIA.

Institute of Human Genetics, University of Leipzig Medical Center
Classification: Pathogenic for Mucopolysaccharidosis, MPS-III-A. Last evaluated: 2025-10-22. Review status: criteria provided, single submitter. Criteria: ACMG Guidelines, 2015. Collection method: clinical testing. Allele origin: paternal. Inheritance: Autosomal recessive inheritance. Affected: yes.
Comment: Criteria applied: PM3_VSTR,PS3,PM1,PM2,PP3; Identified as compund heterozygous with NM_000199.5:c.1A>G

Natera, Inc.
Classification: Pathogenic for Mucopolysaccharidosis type IIIA. Last evaluated: 2025-09-11. Review status: criteria provided, single submitter. Criteria: Natera Variant Classification Schema (03/2026). Collection method: clinical testing. Allele origin: germline.
Comment: The c.892T>C variant in SGSH is a missense variant predicted to cause substitution of serine to proline at amino acid 298. This variant is rare in the general population with a frequency below the threshold expected for the associated phenotype(s). This variant has been observed in one or more individuals affected with the associated recessive disease, as either homozygous or compound heterozygous with a second variant (PMID: 21061399). Given the available evidence, this variant is classified as Pathogenic.

Rady Children's Institute for Genomic Medicine, Rady Children's Hospital San Diego
Classification: Pathogenic for Mucopolysaccharidosis, type IIIA. Last evaluated: 2025-04-15. Review status: criteria provided, single submitter. Criteria: ACMG Guidelines, 2015. Collection method: clinical testing. Allele origin: germline. Affected: yes.
Comment: The c.892T>C (p.Ser298Pro) variant affects a highly conserved amino acid and is predicted by multiple in silico tools to have a deleterious effect on protein function. This is a recurrent and known Pathogenic variant that has been previously reported as a homozygous and compound heterozygous change in patients with mucopolysaccharidosis type IIIA (PMID: 9401012, 18407553, 21671382, 22976768, 29023963, 31536183). Functional studies have shown that this variant impairs the folding and stability of the SGSH protein, leading to decreased enzymatic activity (PMID: 21671382).The c.892T>C (p.Ser298Pro) variant is present in the latest version of the gnomAD population database at an allele frequency of 0.02% (289/1613568), and is absent in the homozygous state, thus is presumed to be rare. Based on the available evidence, c.892T>C (p.Ser298Pro) is classified as Pathogenic.

Mayo Clinic Laboratories, Mayo Clinic
Classification: Pathogenic. Last evaluated: 2024-12-26. Review status: criteria provided, single submitter. Criteria: ACMG Guidelines, 2015. Collection method: clinical testing. Allele origin: germline. Observed: 2 variant alleles.
Comment: PP3, PM2_moderate, PM3_strong, PS3, PS4

Ambry Genetics
Classification: Pathogenic for Inborn genetic diseases. Last evaluated: 2024-07-22. Review status: criteria provided, single submitter. Criteria: Ambry Variant Classification Scheme 2023. Collection method: clinical testing. Allele origin: germline.
Comment: The c.892T>C (p.S298P) alteration is located in exon 7 (coding exon 7) of the SGSH gene. This alteration results from a T to C substitution at nucleotide position 892, causing the serine (S) at amino acid position 298 to be replaced by a proline (P). Based on data from gnomAD, the C allele has an overall frequency of 0.011% (30/282024) total alleles studied. The highest observed frequency was 0.023% (29/128518) of European (non-Finnish) alleles. This variant has been identified in the homozygous state and/or in conjunction with other SGSH variants in individuals with reduced enzyme activity, a clinical diagnosis of MPS IIIA, loss of speech, and/or loss of walking; in at least one instance, the variants were identified in trans (Muschol, 2004; Valstar, 2010; Pollard, 2013; Knottnerus, 2017; Muschol, 2019; Xiao, 2022). This amino acid position is highly conserved in available vertebrate species. This alteration is predicted to be deleterious by in silico analysis. Based on the available evidence, this alteration is classified as pathogenic.

NM_000199.5(SGSH):c.892T>C (p.Ser298Pro)

Gene: SGSH (N-sulfoglucosamine sulfohydrolase; minus strand). Cytogenetic location: 17q25.3.
Variant type: single nucleotide variant.
Coding change: c.892T>C on transcript NM_000199.5 (MANE Select); coding-DNA position 892, T replaced by C.
Protein change: p.Ser298Pro; replaces serine 298 with proline.
Molecular consequence: missense variant. On other transcripts: non-coding transcript variant (1).
Genome position (GRCh38, 1-based): chr17:80,212,128, A>G on the plus strand (T>C on the coding strand, the complement: SGSH is on the minus strand). VCF-style: chr17-80212128-A-G. GRCh37 (hg19) VCF-style: chr17-78185927-A-G.
Other names: c.892T>C, p.Ser298Pro (NM_001352921.3, NM_001352922.2); short protein forms S298P.
Identifiers: ClinVar variation 30459 (VCV000030459.89), dbSNP rs138504221, ClinGen allele CA129225.